The following is an entry in ClinVar:

ClinVar aggregate classification (germline): Uncertain significance (1 of 4 stars; one submission).

Conditions:
Charcot-Marie-Tooth disease axonal type 2O. Also called: Charcot-Marie-Tooth Neuropathy Type 2O; CHARCOT-MARIE-TOOTH NEUROPATHY, AXONAL, TYPE 2O; CHARCOT-MARIE-TOOTH DISEASE, AXONAL, AUTOSOMAL DOMINANT, TYPE 2O; Charcot-Marie-Tooth disease, axonal, type 20. Identifiers: Orphanet 284232, MedGen C3280220, MONDO:0013644, OMIM 614228.

Submission:

Labcorp Genetics (formerly Invitae), Labcorp
Classification: Uncertain significance for Charcot-Marie-Tooth disease axonal type 2O. Last evaluated: 2022-03-14. Review status: criteria provided, single submitter. Criteria: Invitae Variant Classification Sherloc (09022015). Collection method: clinical testing. Allele origin: germline.
Comment: In summary, the available evidence is currently insufficient to determine the role of this variant in disease. Therefore, it has been classified as a Variant of Uncertain Significance. Advanced modeling of protein sequence and biophysical properties (such as structural, functional, and spatial information, amino acid conservation, physicochemical variation, residue mobility, and thermodynamic stability) performed at Invitae indicates that this missense variant is not expected to disrupt DYNC1H1 protein function. This variant has not been reported in the literature in individuals affected with DYNC1H1-related conditions. This variant is not present in population databases (gnomAD no frequency). This sequence change replaces tryptophan, which is neutral and slightly polar, with arginine, which is basic and polar, at codon 1758 of the DYNC1H1 protein (p.Trp1758Arg).

NM_001376.5(DYNC1H1):c.5272T>C (p.Trp1758Arg)

Gene: DYNC1H1 (dynein cytoplasmic 1 heavy chain 1; plus strand). Cytogenetic location: 14q32.31.
Variant type: single nucleotide variant.
Coding change: c.5272T>C on transcript NM_001376.5 (MANE Select); coding-DNA position 5272, T replaced by C.
Protein change: p.Trp1758Arg; replaces tryptophan 1758 with arginine.
Molecular consequence: missense variant.
Genome position (GRCh38, 1-based): chr14:102,005,075, T>C. VCF-style: chr14-102005075-T-C. GRCh37 (hg19) VCF-style: chr14-102471412-T-C.
Other names: short protein forms W1758R.
Identifiers: ClinVar variation 2105754 (VCV002105754.4), dbSNP rs2503739672, ClinGen allele CA391046197.
Genomic context (GRCh38, chr14:102,005,075, plus strand): 5'-TTGGGATCTTGTTTCTGTGTCTTTCAGGCCCAGCTTGTGGTTTTGTCAGCCCAGATAGCC[T>C]GGTCTGAGAACGTGGAGACCGCACTGAGCAGCATGGGCGGAGGTGGAGATGCCGCGCCCT-3'
Protein context (NP_001367.2, residues 1748-1768): QLVVLSAQIA[Trp1758Arg]SENVETALSS